The following is an entry in ClinVar:

ClinVar aggregate classification (germline): Benign/Likely benign. Review status: criteria provided, multiple submitters, no conflicts (2 of 4 stars). 2 submissions from 2 submitters: Benign (1); Likely benign (1). Last evaluated 2026-07-01.

Allele frequency attached by ClinVar (database versions not stated): gnomAD exomes 0.00306; ExAC 0.00339; 1000 Genomes Project 30x 0.00484; 1000 Genomes Project 0.00519; gnomAD 0.00158 and 0.00178; TOPMed 0.00166; ESP Exome Variant Server 0.00178.
gnomAD v4.1: 4,295 of 1,613,022 alleles (0.27%); highest among the groups gnomAD compares: South Asian, 0.92%; 16 homozygotes.

Submissions (3):

CeGaT Center for Human Genetics Tuebingen
Classification: Likely benign. Last evaluated: 2026-07-01. Review status: criteria provided, single submitter. Criteria: CeGaT Center For Human Genetics Tuebingen Variant Classification Criteria Version 2. Collection method: clinical testing. Allele origin: germline. Affected: yes. Observed: 3 variant alleles.
Comment: TSBP1-AS1: BS2; BTNL2: BP4, BP7, BS2

Labcorp Genetics (formerly Invitae), Labcorp
Classification: Benign. Last evaluated: 2018-04-10. Review status: criteria provided, single submitter. Criteria: Invitae Variant Classification Sherloc (09022015). Collection method: clinical testing. Allele origin: germline.

Dr. Peter K. Rogan Lab, Western University
No classification provided (evidence only). Condition: Clear cell carcinoma of kidney. Review status: no classification provided. Collection method: in vitro. Allele origin: not applicable. Functional consequence: retained intron. Not counted in ClinVar's aggregate classification.

NM_001304561.2(BTNL2):c.36A>G (p.Ala12=)

Genes: BTNL2 (butyrophilin like 2), TSBP1-AS1 (TSBP1 and BTNL2 antisense RNA 1). Cytogenetic location: 6p21.32.
Variant type: single nucleotide variant.
Coding change: c.36A>G on transcript NM_001304561.2 (MANE Select); coding-DNA position 36, A replaced by G.
Protein change: p.Ala12=; no amino-acid change (alanine 12 retained).
Molecular consequence: synonymous variant. On other transcripts: non-coding transcript variant (1).
Genome position (GRCh38, 1-based): chr6:32,407,088, T>C on the plus strand (A>G on the coding strand, the complement: BTNL2 is on the minus strand). VCF-style: chr6-32407088-T-C. GRCh37 (hg19) VCF-style: chr6-32374865-T-C.
Other names: NC_000006.11:g.32374865T>C.
Identifiers: ClinVar variation 731754 (VCV000731754.28), dbSNP rs41395046, ClinGen allele CA3741577.